The following is an entry in ClinVar:

ClinVar aggregate classification (germline): Uncertain significance (1 of 4 stars; one submission).

Submission:

GeneDx
Classification: Uncertain significance. Last evaluated: 2025-04-21. Review status: criteria provided, single submitter. Criteria: GeneDx Variant Classification Process June 2021. Collection method: clinical testing. Allele origin: germline.
Comment: Not observed at significant frequency in large population cohorts (gnomAD); In silico analysis indicates that this missense variant does not alter protein structure/function; Has not been previously published as pathogenic or benign to our knowledge

NM_000023.4(SGCA):c.421C>G (p.Arg141Gly)

Gene: SGCA (sarcoglycan alpha; plus strand). Cytogenetic location: 17q21.33.
Variant type: single nucleotide variant.
Coding change: c.421C>G on transcript NM_000023.4 (MANE Select); coding-DNA position 421, C replaced by G.
Protein change: p.Arg141Gly; replaces arginine 141 with glycine.
Molecular consequence: missense variant. On other transcripts: non-coding transcript variant (1).
Genome position (GRCh38, 1-based): chr17:50,168,409, C>G. VCF-style: chr17-50168409-C-G. GRCh37 (hg19) VCF-style: chr17-48245770-C-G.
Other names: c.421C>G, p.Arg141Gly (NM_001135697.3); short protein forms R141G.
Identifiers: ClinVar variation 3343250 (VCV003343250.2).